The following is an entry in ClinVar:

NM_007055.4(POLR3A):c.3594+11A>C

Gene: POLR3A (RNA polymerase III subunit A; minus strand). Cytogenetic location: 10q22.3.
Variant type: single nucleotide variant.
Coding change: c.3594+11A>C on transcript NM_007055.4 (MANE Select); 11 bases into the intron after coding-DNA position 3594, A replaced by C.
Molecular consequence: intron variant.
Genome position (GRCh38, 1-based): chr10:77,982,642, T>G on the plus strand (A>C on the coding strand, the complement: POLR3A is on the minus strand). VCF-style: chr10-77982642-T-G. GRCh37 (hg19) VCF-style: chr10-79742400-T-G.
Identifiers: ClinVar variation 301043 (VCV000301043.15), dbSNP rs10509396, ClinGen allele CA5570789.

ClinVar aggregate classification (germline): Benign. Review status: criteria provided, multiple submitters, no conflicts (2 of 4 stars). 4 submissions from 4 submitters: Benign (4). Last evaluated 2026-02-02.

Conditions:
Leukodystrophy, hypomyelinating, 7, with or without oligodontia and/or hypogonadotropic hypogonadism (HLD7). Also called: LEUKOENCEPHALOPATHY, HYPOMYELINATING, WITH ATAXIA AND DELAYED DENTITION; ATAXIA, DELAYED DENTITION, AND HYPOMYELINATION; LEUKODYSTROPHY, HYPOMYELINATING, 7, WITH OLIGODONTIA; LEUKODYSTROPHY, HYPOMYELINATING, 7, WITH OLIGODONTIA AND HYPOGONADOTROPIC HYPOGONADISM; LEUKODYSTROPHY, HYPOMYELINATING, 7, WITHOUT OLIGODONTIA OR HYPOGONADOTROPIC HYPOGONADISM; Ataxia, Delayed Dentition and Hypomyelination (ADDH). Identifiers: Orphanet 137639, Orphanet 447893, Orphanet 447896, Orphanet 77295, Orphanet 88637, MedGen CN034185, MONDO:0011897, OMIM 607694.

Allele frequency attached by ClinVar (database versions not stated): gnomAD exomes 0.00646 and 0.01757; ExAC 0.02154; gnomAD 0.06526 and 0.06976; TOPMed 0.07419; ESP Exome Variant Server 0.07543; 1000 Genomes Project 0.07608; 1000 Genomes Project 30x 0.08479.
gnomAD v4.1: 19,892 of 1,612,100 alleles (1.2%); highest among the groups gnomAD compares: African/African-American, 22%; 2,024 homozygotes.

Submissions (4):

Labcorp Genetics (formerly Invitae), Labcorp
Classification: Benign. Last evaluated: 2026-02-02. Review status: criteria provided, single submitter. Criteria: Invitae Variant Classification Sherloc (09022015). Collection method: clinical testing. Allele origin: germline.

GeneDx
Classification: Benign. Last evaluated: 2021-04-16. Review status: criteria provided, single submitter. Criteria: GeneDx Variant Classification Process June 2021. Collection method: clinical testing. Allele origin: germline. Affected: yes.

Illumina Laboratory Services, Illumina
Classification: Benign for Leukodystrophy, hypomyelinating, 7, with or without oligodontia and/or hypogonadotropic hypogonadism. Last evaluated: 2018-01-13. Review status: criteria provided, single submitter. Criteria: ICSL Variant Classification Criteria 13 December 2019. Collection method: clinical testing. Allele origin: germline.
Comment: This variant was observed in the ICSL laboratory as part of a predisposition screen in an ostensibly healthy population. It had not been previously curated by ICSL or reported in the Human Gene Mutation Database (HGMD: prior to June 1st, 2018), and was therefore a candidate for classification through an automated scoring system. Utilizing variant allele frequency, disease prevalence and penetrance estimates, and inheritance mode, an automated score was calculated to assess if this variant is too frequent to cause the disease. Based on the score and internal cut-off values, a variant classified as benign is not then subjected to further curation. The score for this variant resulted in a classification of benign for this disease.

Breakthrough Genomics
Classification: Benign. Review status: criteria provided, single submitter. Criteria: ACMG Guidelines, 2015. Collection method: not provided. Allele origin: germline. Inheritance: Autosomal recessive inheritance. Affected: yes.